The following is an entry in ClinVar:

NM_004946.3(DOCK2):c.2051T>A (p.Ile684Asn)

Gene: DOCK2 (dedicator of cytokinesis 2; plus strand). Cytogenetic location: 5q35.1.
Variant type: single nucleotide variant.
Coding change: c.2051T>A on transcript NM_004946.3 (MANE Select); coding-DNA position 2051, T replaced by A.
Protein change: p.Ile684Asn; replaces isoleucine 684 with asparagine.
Molecular consequence: missense variant. On other transcripts: non-coding transcript variant (1).
Genome position (GRCh38, 1-based): chr5:169,717,403, T>A. VCF-style: chr5-169717403-T-A. GRCh37 (hg19) VCF-style: chr5-169144407-T-A.
Other names: c.2051T>A, p.Ile684Asn (LRG_1227t1); short protein forms I684N.
Identifiers: ClinVar variation 579098 (VCV000579098.2), dbSNP rs1400969417, ClinGen allele CA362109067.

ClinVar aggregate classification (germline): Uncertain significance. Review status: criteria provided, multiple submitters, no conflicts (2 of 4 stars). 2 submissions from 2 submitters: Uncertain significance (2). Last evaluated 2022-03-07.

Conditions:
DOCK2 deficiency. Also called: Immunodeficiency 40. Identifiers: Orphanet 447737, MedGen C4225328, MONDO:0014637, OMIM 616433.

Allele frequency attached by ClinVar (database versions not stated): gnomAD exomes below 0.00001.
gnomAD v4.1: 1 of 1,613,822 alleles (0.000062%); no homozygotes.

Submissions (2):

Blueprint Genetics
Classification: Uncertain significance. Last evaluated: 2022-03-07. Review status: criteria provided, single submitter. Criteria: ACMG Guidelines, 2015. Collection method: clinical testing. Allele origin: germline.

Labcorp Genetics (formerly Invitae), Labcorp
Classification: Uncertain significance for Immunodeficiency 40. Last evaluated: 2018-04-05. Review status: criteria provided, single submitter. Criteria: Invitae Variant Classification Sherloc (09022015). Collection method: clinical testing. Allele origin: germline.
Comment: This sequence change replaces isoleucine with asparagine at codon 684 of the DOCK2 protein (p.Ile684Asn). The isoleucine residue is moderately conserved and there is a large physicochemical difference between isoleucine and asparagine. This variant is not present in population databases (ExAC no frequency). This variant has not been reported in the literature in individuals with DOCK2-related disease. Algorithms developed to predict the effect of missense changes on protein structure and function do not agree on the potential impact of this missense change (SIFT: "Deleterious"; PolyPhen-2: "Probably Damaging"; Align-GVGD: "Class C0"). In summary, the available evidence is currently insufficient to determine the role of this variant in disease. Therefore, it has been classified as a Variant of Uncertain Significance.